The following is an entry in ClinVar:

ClinVar aggregate classification (germline): Conflicting classifications of pathogenicity. Review status: criteria provided, conflicting classifications (1 of 4 stars). 2 submissions from 2 submitters: Uncertain significance (1); Likely benign (1). Last evaluated 2026-05-01.

Conditions:
Cardiovascular phenotype. Identifiers: MedGen CN230736.
Hereditary cancer-predisposing syndrome. Also called: Neoplastic Syndromes, Hereditary; Tumor predisposition; Hereditary Cancer Syndrome; Hereditary neoplastic syndrome. Identifiers: Orphanet 140162, MedGen C0027672, MeSH D009386, MONDO:0015356.
Neurofibromatosis, type 1 (NF1). Also called: VON RECKLINGHAUSEN DISEASE; NEUROFIBROMATOSIS, TYPE I, SOMATIC; Peripheral type neurofibromatosis; Neurofibromatosis, type I. Identifiers: Orphanet 636, MedGen C0027831, MONDO:0018975, OMIM 162200. Disease mechanism: loss of function.

gnomAD v4.1: 1 of 1,613,580 alleles (0.000062%); no homozygotes.

Submissions (2):

Ambry Genetics
Classification: Likely benign for Cardiovascular phenotype; Hereditary cancer-predisposing syndrome. Last evaluated: 2026-05-01. Review status: criteria provided, single submitter. Criteria: Ambry Variant Classification Scheme 2023. Collection method: clinical testing. Allele origin: germline.

Labcorp Genetics (formerly Invitae), Labcorp
Classification: Uncertain significance for Neurofibromatosis, type 1. Last evaluated: 2024-08-07. Review status: criteria provided, single submitter. Criteria: Invitae Variant Classification Sherloc (09022015). Collection method: clinical testing. Allele origin: germline.
Comment: This sequence change replaces proline, which is neutral and non-polar, with serine, which is neutral and polar, at codon 635 of the NF1 protein (p.Pro635Ser). This variant is not present in population databases (gnomAD no frequency). This variant has not been reported in the literature in individuals affected with NF1-related conditions. ClinVar contains an entry for this variant (Variation ID: 1971426). Advanced modeling of protein sequence and biophysical properties (such as structural, functional, and spatial information, amino acid conservation, physicochemical variation, residue mobility, and thermodynamic stability) performed at Invitae indicates that this missense variant is not expected to disrupt NF1 protein function with a negative predictive value of 95%. In summary, the available evidence is currently insufficient to determine the role of this variant in disease. Therefore, it has been classified as a Variant of Uncertain Significance.

NM_001042492.3(NF1):c.1903C>T (p.Pro635Ser)

Gene: NF1 (neurofibromin 1; plus strand). Cytogenetic location: 17q11.2.
Variant type: single nucleotide variant.
Coding change: c.1903C>T on transcript NM_001042492.3 (MANE Select); coding-DNA position 1903, C replaced by T.
Protein change: p.Pro635Ser; replaces proline 635 with serine.
Molecular consequence: missense variant.
Genome position (GRCh38, 1-based): chr17:31,225,152, C>T. VCF-style: chr17-31225152-C-T. GRCh37 (hg19) VCF-style: chr17-29552170-C-T.
Other names: c.1903C>T, p.Pro635Ser (NM_000267.4); short protein forms P635S.
Identifiers: ClinVar variation 1971426 (VCV001971426.6), dbSNP rs2144026520, ClinGen allele CA399005242.